The following is an entry in ClinVar:

NM_002230.4(JUP):c.2047-115T>C

Gene: JUP (junction plakoglobin; minus strand). Cytogenetic location: 17q21.2.
Variant type: single nucleotide variant.
Coding change: c.2047-115T>C on transcript NM_002230.4 (MANE Select); 115 bases into the intron before coding-DNA position 2047, T replaced by C.
Molecular consequence: intron variant.
Genome position (GRCh38, 1-based): chr17:41,756,329, A>G on the plus strand (T>C on the coding strand, the complement: JUP is on the minus strand). VCF-style: chr17-41756329-A-G. GRCh37 (hg19) VCF-style: chr17-39912581-A-G.
Other names: c.2047-115T>C (NM_001352774.2, NM_021991.4, NM_001352776.2 and 3 more transcripts).
Identifiers: ClinVar variation 672152 (VCV000672152.2), dbSNP rs9890858, ClinGen allele CA14401984.
Genomic context (GRCh38, chr17:41,756,329, plus strand): 5'-TGGATCTCAGCTGGTGGGCAGGGAGAGATGCTTCTAAAAGAGGGGGCCAGGCTGGGTGCC[A>G]TGGCTCACGCCTGTAATCCCAGCACTCTGGGAGACAGCAGGCGGATCACTTGAGGTCAGG-3'

ClinVar aggregate classification (germline): Benign. Review status: criteria provided, multiple submitters, no conflicts (2 of 4 stars). 2 submissions from 2 submitters: Benign (2). Last evaluated 2018-06-15.

Allele frequency attached by ClinVar (database versions not stated): 1000 Genomes Project 30x 0.63632; 1000 Genomes Project 0.63658; TOPMed 0.70812; gnomAD 0.71942 and 0.72513; gnomAD exomes 0.73868.
gnomAD v4.1: 767,829 of 1,044,088 alleles (74%); highest among the groups gnomAD compares: Non-Finnish European, 78%; 287,705 homozygotes.

Submissions (2):

GeneDx
Classification: Benign. Last evaluated: 2018-06-15. Review status: criteria provided, single submitter. Criteria: GeneDx Variant Classification (06012015). Collection method: clinical testing. Allele origin: germline. Affected: yes.
Comment: This variant is considered likely benign or benign based on one or more of the following criteria: it is a conservative change, it occurs at a poorly conserved position in the protein, it is predicted to be benign by multiple in silico algorithms, and/or has population frequency not consistent with disease.

Breakthrough Genomics
Classification: Benign. Review status: criteria provided, single submitter. Criteria: ACMG Guidelines, 2015. Collection method: not provided. Allele origin: germline. Inheritance: Autosomal recessive inheritance. Affected: yes.